The following is an entry in ClinVar:

NM_000038.6(APC):c.5772del (p.Lys1924fs)

Gene: APC (APC regulator of Wnt signaling pathway; plus strand). Cytogenetic location: 5q22.2.
Variant type: Deletion.
Coding change: c.5772del on transcript NM_000038.6 (MANE Select); coding-DNA position 5772, one base deleted (A; older notation c.5772delA).
Protein change: p.Lys1924fs; shifts the reading frame from lysine 1924.
Molecular consequence: frameshift variant.
Genome position (GRCh38, 1-based): chr5:112,841,366, A deleted; the last of 3 consecutive A bases (chr5:112,841,364-112,841,366); deleting any one gives the same sequence. VCF-style (leftmost placement, unchanged base first): chr5-112841363-TA-T. GRCh37 (hg19) VCF-style: chr5-112177060-TA-T.
Other names: c.5772del, p.Lys1924fs (NM_001127510.3, NM_001354895.2); c.5718del, p.Lys1906fs (NM_001127511.3); c.5826del, p.Lys1942fs (NM_001354896.2); c.5802del, p.Lys1934fs (NM_001354897.2); c.5697del, p.Lys1899fs (NM_001354898.2); c.5688del, p.Lys1896fs (NM_001354899.2); c.5649del, p.Lys1883fs (NM_001354900.2); c.5595del, p.Lys1865fs (NM_001354901.2); and 5 more; short protein forms K1641fs, K1823fs, K1865fs, K1924fs, K1798fs, K1764fs, K1833fs, K1883fs.
Identifiers: ClinVar variation 537473 (VCV000537473.11), dbSNP rs1554086974, ClinGen allele CA658760800.

ClinVar aggregate classification (germline): Pathogenic (1 of 4 stars; one submission).

Conditions:
Familial adenomatous polyposis 1 (FAP1). Also called: FAMILIAL ADENOMATOUS POLYPOSIS 1, ATTENUATED; POLYPOSIS, ADENOMATOUS INTESTINAL. Identifiers: MedGen C2713442, MONDO:0021056, OMIM 175100. Disease mechanism: loss of function.

Submission:

Labcorp Genetics (formerly Invitae), Labcorp
Classification: Pathogenic for Familial adenomatous polyposis 1. Last evaluated: 2018-11-08. Review status: criteria provided, single submitter. Criteria: Invitae Variant Classification Sherloc (09022015). Collection method: clinical testing. Allele origin: germline.
Comment: This variant is expected to disrupt the EB1 and HDLG binding sites, which mediate interactions with the cytoskeleton (PMID: 15311282, 17293347). While functional studies have not been performed to directly test the effect on APC protein function, this suggests that disruption of the C-terminal portion of the protein is functionally important. A different truncation (p.Tyr2645Lysfs*14) that lies downstream of this variant has been determined to be pathogenic (PMID: 9824584, 1316610, 27081525, 8381579, 22135120, Invitae). This suggests that deletion of this region of the APC protein is causative of disease. For these reasons, this variant has been classified as Pathogenic. This variant has been reported in individuals from a family affected with desmoid tumors and gastrointestinal polyps, as well as in individuals affected with familial adenomatous polyposis (FAP) (PMID: 17426470, 20685668). In addition, this variant has been reported in individuals in the Universal Mutation Database (PMID: 10612827). ClinVar contains an entry for this variant (Variation ID: 537473). This variant is not present in population databases (ExAC no frequency). This sequence change results in a premature translational stop signal in the APC gene (p.Lys1924Asnfs*46). While this is not anticipated to result in nonsense mediated decay, it is expected to disrupt the last 920 amino acids of the APC protein.

Literature cited by the submitters: PubMed 15311282; PubMed 17293347; PubMed 9824584; PubMed 1316610; PubMed 27081525; PubMed 8381579; PubMed 22135120; PubMed 17426470; PubMed 20685668; PubMed 10612827.